The following is an entry in ClinVar:

NM_020937.4(FANCM):c.761C>T (p.Ala254Val)

Gene: FANCM (FA complementation group M; plus strand). Cytogenetic location: 14q21.2.
Variant type: single nucleotide variant.
Coding change: c.761C>T on transcript NM_020937.4 (MANE Select); coding-DNA position 761, C replaced by T.
Protein change: p.Ala254Val; replaces alanine 254 with valine.
Molecular consequence: missense variant.
Genome position (GRCh38, 1-based): chr14:45,148,838, C>T. VCF-style: chr14-45148838-C-T. GRCh37 (hg19) VCF-style: chr14-45618041-C-T.
Other names: c.683C>T, p.Ala228Val (NM_001308133.2); c.761C>T, p.Ala254Val (NM_001308134.2); short protein forms A228V, A254V.
Identifiers: ClinVar variation 4619542 (VCV004619542.1).

ClinVar aggregate classification (germline): Uncertain significance (1 of 4 stars; one submission).

Conditions:
Inborn genetic diseases. Identifiers: MedGen C0950123, MeSH D030342.

Submission:

Ambry Genetics
Classification: Uncertain significance for Inborn genetic diseases. Last evaluated: 2025-10-29. Review status: criteria provided, single submitter. Criteria: Ambry Variant Classification Scheme 2023. Collection method: clinical testing. Allele origin: germline.
Comment: The p.A254V variant (also known as c.761C>T), located in coding exon 4 of the FANCM gene, results from a C to T substitution at nucleotide position 761. The alanine at codon 254 is replaced by valine, an amino acid with similar properties. This amino acid position is conserved. In addition, this alteration is predicted to be tolerated by in silico analysis. Based on the available evidence, the clinical significance of this variant remains unclear.